The following is an entry in ClinVar:

ClinVar aggregate classification (germline): Uncertain significance (1 of 4 stars; one submission).

Conditions:
Hereditary cancer-predisposing syndrome. Also called: Neoplastic Syndromes, Hereditary; Tumor predisposition; Hereditary Cancer Syndrome; Hereditary neoplastic syndrome. Identifiers: Orphanet 140162, MedGen C0027672, MeSH D009386, MONDO:0015356.

Submission:

Ambry Genetics
Classification: Uncertain significance for Hereditary cancer-predisposing syndrome. Last evaluated: 2019-09-18. Review status: criteria provided, single submitter. Criteria: Ambry Variant Classification Scheme 2023. Collection method: clinical testing. Allele origin: germline.
Comment: The p.P2559L variant (also known as c.7676C>T), located in coding exon 15 of the APC gene, results from a C to T substitution at nucleotide position 7676. The proline at codon 2559 is replaced by leucine, an amino acid with similar properties. This amino acid position is highly conserved in available vertebrate species. In addition, in silico predictors for this gene do not accurately predict pathogenicity. Since supporting evidence is limited at this time, the clinical significance of this alteration remains unclear.

NM_000038.6(APC):c.7676C>T (p.Pro2559Leu)

Gene: APC (APC regulator of Wnt signaling pathway; plus strand). Cytogenetic location: 5q22.2.
Variant type: single nucleotide variant.
Coding change: c.7676C>T on transcript NM_000038.6 (MANE Select); coding-DNA position 7676, C replaced by T.
Protein change: p.Pro2559Leu; replaces proline 2559 with leucine.
Molecular consequence: missense variant.
Genome position (GRCh38, 1-based): chr5:112,843,270, C>T. VCF-style: chr5-112843270-C-T. GRCh37 (hg19) VCF-style: chr5-112178967-C-T.
Other names: c.7676C>T, p.Pro2559Leu (NM_001127510.3, NM_001354895.2, NM_001407450.1); c.7622C>T, p.Pro2541Leu (NM_001127511.3); c.7730C>T, p.Pro2577Leu (NM_001354896.2, NM_001407447.1, NM_001407448.1 and 1 more transcripts); c.7706C>T, p.Pro2569Leu (NM_001354897.2); c.7601C>T, p.Pro2534Leu (NM_001354898.2); c.7592C>T, p.Pro2531Leu (NM_001354899.2); c.7553C>T, p.Pro2518Leu (NM_001354900.2); c.7499C>T, p.Pro2500Leu (NM_001354901.2, NM_001407453.1); and 11 more; short protein forms P2430L, P2433L, P2552L, P2559L, P2276L, P2534L, P2541L, P2577L.
Identifiers: ClinVar variation 1760090 (VCV001760090.2), dbSNP rs2149991767, ClinGen allele CA16038006.